The following is an entry in ClinVar:

ClinVar aggregate classification (germline): Uncertain significance. Review status: criteria provided, multiple submitters, no conflicts (2 of 4 stars). 2 submissions from 2 submitters: Uncertain significance (2). Last evaluated 2024-03-04.

Conditions:
Hereditary cancer-predisposing syndrome. Also called: Hereditary Cancer Syndrome; Neoplastic Syndromes, Hereditary; Tumor predisposition; Hereditary neoplastic syndrome. Identifiers: Orphanet 140162, MedGen C0027672, MeSH D009386, MONDO:0015356.
Nijmegen breakage syndrome-like disorder (NBSLD). Also called: MICROCEPHALY AND SPONTANEOUS CHROMOSOME INSTABILITY WITHOUT IMMUNODEFICIENCY; NBS-LIKE DISORDER; RAD50 DEFICIENCY. Identifiers: Orphanet 240760, MedGen C2751318, MONDO:0013118, OMIM 613078.

Allele frequency attached by ClinVar (database versions not stated): gnomAD 0.00001; TOPMed 0.00001.
gnomAD v4.1: 1 of 1,611,418 alleles (0.000062%); highest among the groups gnomAD compares: Admixed American, 0.0017%; no homozygotes.

Submissions (2):

Ambry Genetics
Classification: Uncertain significance for Hereditary cancer-predisposing syndrome. Last evaluated: 2024-03-04. Review status: criteria provided, single submitter. Criteria: Ambry Variant Classification Scheme 2023. Collection method: clinical testing. Allele origin: germline.

Sema4
Classification: Uncertain significance for Nijmegen breakage syndrome-like disorder. Last evaluated: 2021-07-09. Review status: criteria provided, single submitter. Criteria: Sema4 Curation Guidelines. Collection method: curation. Allele origin: germline.
Comment: The RAD50 c.548C>T (p.T183I) variant has not been reported in literature to our knowledge. This variant was not observed in the large and broad cohorts of the Genome Aggregation Database (PMID: 32461654). This variant has been reported in ClinVar (Variation ID 480488). In silico tools suggest the impact of the variant on protein function is inconclusive, though these predictions have not been confirmed by functional studies. The overall evidence is insufficient to meet ACMG/AMP criteria for classifying it as benign or pathogenic. In summary, the clinical significance of this variant is currently uncertain.

NM_005732.4(RAD50):c.548C>T (p.Thr183Ile)

Gene: RAD50 (RAD50 double strand break repair protein; plus strand). Cytogenetic location: 5q31.1.
Variant type: single nucleotide variant.
Coding change: c.548C>T on transcript NM_005732.4 (MANE Select); coding-DNA position 548, C replaced by T.
Protein change: p.Thr183Ile; replaces threonine 183 with isoleucine.
Molecular consequence: missense variant.
Genome position (GRCh38, 1-based): chr5:132,579,499, C>T. VCF-style: chr5-132579499-C-T. GRCh37 (hg19) VCF-style: chr5-131915191-C-T.
Other names: short protein forms T183I.
Identifiers: ClinVar variation 480488 (VCV000480488.6), dbSNP rs1554097784, ClinGen allele CA360935238.